The following is an entry in ClinVar:

ClinVar aggregate classification (germline): Uncertain significance. Review status: criteria provided, multiple submitters, no conflicts (2 of 4 stars). 3 submissions from 3 submitters: Uncertain significance (3). Last evaluated 2026-06-04.

Conditions:
TTN-related disorder. Also called: TTN-related disorders; TTN-related condition; TTN-related disease.

Allele frequency attached by ClinVar (database versions not stated): gnomAD 0.00001; gnomAD exomes 0.00001; TOPMed 0.00002; ESP Exome Variant Server 0.00008.
gnomAD v4.1: 11 of 1,613,874 alleles (0.00068%); highest among the groups gnomAD compares: Non-Finnish European, 0.00093%; no homozygotes.

Submissions (3):

PreventionGenetics, part of Exact Sciences
Classification: Uncertain significance for TTN-related condition. Last evaluated: 2026-06-04. Review status: criteria provided, single submitter. Criteria: ACMG Guidelines, 2015. Collection method: clinical testing. Allele origin: germline.
Comment: The TTN c.87337G>C variant is predicted to result in the amino acid substitution p.Gly29113Arg. To our knowledge, this variant has not been reported in the literature or in a large population database (gnomAD), indicating this variant is rare. At this time, the clinical significance of this variant is uncertain due to the absence of conclusive functional and genetic evidence.

Revvity Omics, Revvity
Classification: Uncertain significance. Last evaluated: 2022-11-07. Review status: criteria provided, single submitter. Criteria: ACMG Guidelines, 2015. Collection method: clinical testing. Allele origin: germline.

AiLife Diagnostics
Classification: Uncertain significance. Last evaluated: 2021-10-11. Review status: criteria provided, single submitter. Criteria: ACMG Guidelines, 2015. Collection method: clinical testing. Allele origin: germline. Affected: yes. Observed: 1 variant allele.

NM_001267550.2(TTN):c.87337G>C (p.Gly29113Arg)

Genes: TTN (titin; minus strand), TTN-AS1 (TTN antisense RNA 1; plus strand). Cytogenetic location: 2q31.2.
Variant type: single nucleotide variant.
Coding change: c.87337G>C on transcript NM_001267550.2 (MANE Select); coding-DNA position 87337, G replaced by C.
Protein change: p.Gly29113Arg; replaces glycine 29113 with arginine.
Molecular consequence: missense variant.
Genome position (GRCh38, 1-based): chr2:178,558,017, C>G on the plus strand (G>C on the coding strand, the complement: TTN is on the minus strand). VCF-style: chr2-178558017-C-G. GRCh37 (hg19) VCF-style: chr2-179422744-C-G.
Other names: c.82414G>C, p.Gly27472Arg (NM_001256850.1); c.60142G>C, p.Gly20048Arg (NM_003319.4); c.79633G>C, p.Gly26545Arg (NM_133378.4); c.60517G>C, p.Gly20173Arg (NM_133432.3); c.60718G>C, p.Gly20240Arg (NM_133437.4); short protein forms G20048R, G20173R, G20240R, G26545R, G27472R, G29113R.
Identifiers: ClinVar variation 1677558 (VCV001677558.5), dbSNP rs373526664, ClinGen allele CA60981779.
Genomic context (GRCh38, chr2:178,558,017, plus strand): 5'-CAATGTTAATGAAAGCTTTGGTTGTACCACTGGAGTTGGCAGCAGTGATTTCATATCTCC[C>G]AGCGTCAGCTGTAACACTTTCTTTGAGATTGATGGTCAGGTTCTCAGCAGTAATTTCGGT-3'
Protein context (NP_001254479.2, residues 29103-29123): NLKESVTADA[Gly29113Arg]RYEITAANSS